The following is an entry in ClinVar:

NM_001323289.2(CDKL5):c.825+180G>A

Gene: CDKL5 (cyclin dependent kinase like 5; plus strand). Cytogenetic location: Xp22.13.
Variant type: single nucleotide variant.
Coding change: c.825+180G>A on transcript NM_001323289.2 (MANE Select); 180 bases into the intron after coding-DNA position 825, G replaced by A.
Molecular consequence: intron variant.
Genome position (GRCh38, 1-based): chrX:18,595,608, G>A. VCF-style: chrX-18595608-G-A. GRCh37 (hg19) VCF-style: chrX-18613728-G-A.
Other names: c.825+180G>A (NM_003159.3, NM_001037343.2).
Identifiers: ClinVar variation 677682 (VCV000677682.1), dbSNP rs369394603, ClinGen allele CA326986378.

ClinVar aggregate classification (germline): Likely benign (1 of 4 stars; one submission).

Allele frequency attached by ClinVar (database versions not stated): 1000 Genomes Project 30x 0.00146; 1000 Genomes Project 0.00159; gnomAD 0.00274 and 0.00296; TOPMed 0.00277.
gnomAD v4.1: 303 of 111,941 alleles (0.27%); highest among the groups gnomAD compares: African/African-American, 0.93%; 1 homozygote.

Submission:

GeneDx
Classification: Likely benign. Last evaluated: 2018-06-14. Review status: criteria provided, single submitter. Criteria: GeneDx Variant Classification (06012015). Collection method: clinical testing. Allele origin: germline. Affected: yes.
Comment: This variant is considered likely benign or benign based on one or more of the following criteria: it is a conservative change, it occurs at a poorly conserved position in the protein, it is predicted to be benign by multiple in silico algorithms, and/or has population frequency not consistent with disease.